The following is an entry in ClinVar:

ClinVar aggregate classification (germline): Uncertain significance. Review status: criteria provided, multiple submitters, no conflicts (2 of 4 stars). 2 submissions from 2 submitters: Uncertain significance (2). Last evaluated 2025-03-26.

Conditions:
Inborn genetic diseases. Identifiers: MedGen C0950123, MeSH D030342.

Allele frequency attached by ClinVar (database versions not stated): ExAC 0.00002; gnomAD 0.00001.
gnomAD v4.1: 22 of 1,614,040 alleles (0.0014%); highest among the groups gnomAD compares: Admixed American, 0.035%; no homozygotes.

Submissions (2):

Ambry Genetics
Classification: Uncertain significance for Inborn genetic diseases. Last evaluated: 2025-03-26. Review status: criteria provided, single submitter. Criteria: Ambry Variant Classification Scheme 2023. Collection method: clinical testing. Allele origin: germline.

Labcorp Genetics (formerly Invitae), Labcorp
Classification: Uncertain significance. Last evaluated: 2024-12-09. Review status: criteria provided, single submitter. Criteria: Invitae Variant Classification Sherloc (09022015). Collection method: clinical testing. Allele origin: germline.
Comment: This sequence change replaces leucine, which is neutral and non-polar, with valine, which is neutral and non-polar, at codon 290 of the PPP1R15B protein (p.Leu290Val). This variant is present in population databases (rs754145238, gnomAD 0.04%). This variant has not been reported in the literature in individuals affected with PPP1R15B-related conditions. ClinVar contains an entry for this variant (Variation ID: 2059979). Invitae Evidence Modeling of protein sequence and biophysical properties (such as structural, functional, and spatial information, amino acid conservation, physicochemical variation, residue mobility, and thermodynamic stability) has been performed for this missense variant. However, the output from this modeling did not meet the statistical confidence thresholds required to predict the impact of this variant on PPP1R15B protein function. In summary, the available evidence is currently insufficient to determine the role of this variant in disease. Therefore, it has been classified as a Variant of Uncertain Significance.

NM_032833.5(PPP1R15B):c.868C>G (p.Leu290Val)

Gene: PPP1R15B (protein phosphatase 1 regulatory subunit 15B; minus strand). Cytogenetic location: 1q32.1.
Variant type: single nucleotide variant.
Coding change: c.868C>G on transcript NM_032833.5 (MANE Select); coding-DNA position 868, C replaced by G.
Protein change: p.Leu290Val; replaces leucine 290 with valine.
Molecular consequence: missense variant.
Genome position (GRCh38, 1-based): chr1:204,410,544, G>C on the plus strand (C>G on the coding strand, the complement: PPP1R15B is on the minus strand). VCF-style: chr1-204410544-G-C. GRCh37 (hg19) VCF-style: chr1-204379672-G-C.
Other names: c.868C>G (NM_032833.3); short protein forms L290V.
Identifiers: ClinVar variation 2059979 (VCV002059979.5), dbSNP rs754145238, ClinGen allele CA1346730.
Genomic context (GRCh38, chr1:204,410,544, plus strand): 5'-CCTTGCTAGCCTGTTGAAGGAATTCCAGCCGTTTCATGCGAAGATGGTGAATTTCTGGTA[G>C]GCCTTCCGTAGAAAGAGGTGGACATCCCTGCCACGAGGCCGGAATGAGTTCTGCACTCAG-3'
Protein context (NP_116222.4, residues 280-300): QGCPPLSTEG[Leu290Val]PEIHHLRMKR